The following is an entry in ClinVar:

NM_002067.5(GNA11):c.440G>A (p.Arg147His)

Gene: GNA11 (G protein subunit alpha 11; plus strand). Cytogenetic location: 19p13.3.
Variant type: single nucleotide variant.
Coding change: c.440G>A on transcript NM_002067.5 (MANE Select); coding-DNA position 440, G replaced by A.
Protein change: p.Arg147His; replaces arginine 147 with histidine.
Molecular consequence: missense variant.
Genome position (GRCh38, 1-based): chr19:3,113,448, G>A. VCF-style: chr19-3113448-G-A. GRCh37 (hg19) VCF-style: chr19-3113446-G-A.
Other names: short protein forms R147H.
Identifiers: ClinVar variation 5005958 (VCV005005958.2).

ClinVar aggregate classification (germline): Uncertain significance (1 of 4 stars; one submission).

Conditions:
Autosomal dominant hypocalcemia 2. Identifiers: Orphanet 2238, Orphanet 428, MedGen C3809243, MONDO:0014146, OMIM 615361.
Familial hypocalciuric hypercalcemia 2. Also called: Hypocalciuric hypercalcemia, type II; FAMILIAL BENIGN HYPERCALCEMIA, TYPE II; Hypocalciuric hypercalcemia, familial, type II. Identifiers: Orphanet 101049, Orphanet 405, MedGen C1840347, MONDO:0007792, OMIM 145981.

gnomAD v4.1: 5 of 1,611,008 alleles (0.00031%); highest among the groups gnomAD compares: East Asian, 0.0022%; no homozygotes.

Submission:

Juno Genomics, Hangzhou Juno Genomics, Inc
Classification: Uncertain significance for Autosomal dominant hypocalcemia 2; Familial hypocalciuric hypercalcemia 2. Review status: criteria provided, single submitter. Criteria: ACMG Guidelines, 2015. Collection method: clinical testing. Allele origin: germline.
Comment: Absent from controls (or at extremely low frequency if recessive) in Genome Aggregation Database.;Missense variant in a gene that has a low rate of benign missense variation.;Multiple lines of computational evidence support a deleterious effect on the gene or gene product.